The following is an entry in ClinVar:

ClinVar aggregate classification (germline): Uncertain significance (1 of 4 stars; one submission).

Conditions:
Hereditary cancer-predisposing syndrome. Also called: Tumor predisposition; Hereditary Cancer Syndrome; Neoplastic Syndromes, Hereditary; Hereditary neoplastic syndrome. Identifiers: Orphanet 140162, MedGen C0027672, MeSH D009386, MONDO:0015356.

Submission:

Ambry Genetics
Classification: Uncertain significance for Hereditary cancer-predisposing syndrome. Last evaluated: 2022-04-10. Review status: criteria provided, single submitter. Criteria: Ambry Variant Classification Scheme 2023. Collection method: clinical testing. Allele origin: germline.
Comment: The p.N849T variant (also known as c.2546A>C), located in coding exon 16 of the RAD50 gene, results from an A to C substitution at nucleotide position 2546. The asparagine at codon 849 is replaced by threonine, an amino acid with similar properties. This amino acid position is conserved. In addition, this alteration is predicted to be tolerated by in silico analysis. Since supporting evidence is limited at this time, the clinical significance of this alteration remains unclear.

NM_005732.4(RAD50):c.2546A>C (p.Asn849Thr)

Gene: RAD50 (RAD50 double strand break repair protein; plus strand). Cytogenetic location: 5q31.1.
Variant type: single nucleotide variant.
Coding change: c.2546A>C on transcript NM_005732.4 (MANE Select); coding-DNA position 2546, A replaced by C.
Protein change: p.Asn849Thr; replaces asparagine 849 with threonine.
Molecular consequence: missense variant.
Genome position (GRCh38, 1-based): chr5:132,604,827, A>C. VCF-style: chr5-132604827-A-C. GRCh37 (hg19) VCF-style: chr5-131940519-A-C.
Other names: short protein forms N849T.
Identifiers: ClinVar variation 1792883 (VCV001792883.2), dbSNP rs2479668081, ClinGen allele CA360956267.